The following is an entry in ClinVar:

ClinVar aggregate classification (germline): Uncertain significance (1 of 4 stars; one submission).

Conditions:
Landau-Kleffner syndrome (FESD). Also called: APHASIA, ACQUIRED, WITH EPILEPSY; EPILEPSY, FOCAL, WITH SPEECH DISORDER AND WITH OR WITHOUT MENTAL RETARDATION. Identifiers: Orphanet 1945, Orphanet 725, Orphanet 98818, MedGen C0282512, MONDO:0009509, OMIM 245570.

Submission:

Labcorp Genetics (formerly Invitae), Labcorp
Classification: Uncertain significance for Landau-Kleffner syndrome. Last evaluated: 2024-01-22. Review status: criteria provided, single submitter. Criteria: Invitae Variant Classification Sherloc (09022015). Collection method: clinical testing. Allele origin: germline.
Comment: This sequence change replaces arginine, which is basic and polar, with leucine, which is neutral and non-polar, at codon 856 of the GRIN2A protein (p.Arg856Leu). This variant is not present in population databases (gnomAD no frequency). This variant has not been reported in the literature in individuals affected with GRIN2A-related conditions. Advanced modeling of protein sequence and biophysical properties (such as structural, functional, and spatial information, amino acid conservation, physicochemical variation, residue mobility, and thermodynamic stability) has been performed at Invitae for this missense variant, however the output from this modeling did not meet the statistical confidence thresholds required to predict the impact of this variant on GRIN2A protein function. In summary, the available evidence is currently insufficient to determine the role of this variant in disease. Therefore, it has been classified as a Variant of Uncertain Significance.

NM_001134407.3(GRIN2A):c.2567G>T (p.Arg856Leu)

Gene: GRIN2A (glutamate ionotropic receptor NMDA type subunit 2A; minus strand). Cytogenetic location: 16p13.2.
Variant type: single nucleotide variant.
Coding change: c.2567G>T on transcript NM_001134407.3 (MANE Select); coding-DNA position 2567, G replaced by T.
Protein change: p.Arg856Leu; replaces arginine 856 with leucine.
Molecular consequence: missense variant.
Genome position (GRCh38, 1-based): chr16:9,768,879, C>A on the plus strand (G>T on the coding strand, the complement: GRIN2A is on the minus strand). VCF-style: chr16-9768879-C-A. GRCh37 (hg19) VCF-style: chr16-9862736-C-A.
Other names: c.2567G>T, p.Arg856Leu (NM_000833.5, NM_001134408.2); short protein forms R856L.
Identifiers: ClinVar variation 2710787 (VCV002710787.3), dbSNP rs368881818, ClinGen allele CA394709855.